The following is an entry in ClinVar:

ClinVar aggregate classification (germline): Likely benign (1 of 4 stars; one submission).

Conditions:
EDNRB-related disorder. Also called: EDNRB-related condition; EDNRB-related disorders.

gnomAD v4.1: 22 of 1,571,746 alleles (0.0014%); highest among the groups gnomAD compares: African/African-American, 0.02%; no homozygotes.

Submission:

PreventionGenetics, part of Exact Sciences
Classification: Likely benign for EDNRB-related condition. Last evaluated: 2026-04-28. Review status: criteria provided, single submitter. Criteria: ACMG Guidelines, 2015. Collection method: clinical testing. Allele origin: germline.
Comment: This variant is classified as likely benign based on ACMG/AMP sequence variant interpretation guidelines (Richards et al. 2015 PMID: 25741868, with internal and published modifications).

NM_001122659.3(EDNRB):c.*1668A>G

Genes: EDNRB (endothelin receptor type B; minus strand), EDNRB-AS1 (EDNRB antisense RNA 1; plus strand). Cytogenetic location: 13q22.3.
Variant type: single nucleotide variant.
Coding change: c.*1668A>G on transcript NM_001122659.3 (MANE Select); 1668 bases downstream of the stop codon, A replaced by G.
Molecular consequence: 3 prime UTR variant. On other transcripts: synonymous variant (1).
Genome position (GRCh38, 1-based): chr13:77,896,532, T>C on the plus strand (A>G on the coding strand, the complement: EDNRB is on the minus strand). VCF-style: chr13-77896532-T-C. GRCh37 (hg19) VCF-style: chr13-78470667-T-C.
Other names: c.*1668A>G (NM_000115.5, NM_001201397.2); c.1221A>G, p.Leu407= (NM_003991.4).
Identifiers: ClinVar variation 4979267 (VCV004979267.1).